The following is an entry in ClinVar:

NM_004958.4(MTOR):c.5849G>A (p.Arg1950Lys)

Gene: MTOR (mechanistic target of rapamycin kinase; minus strand). Cytogenetic location: 1p36.22.
Variant type: single nucleotide variant.
Coding change: c.5849G>A on transcript NM_004958.4 (MANE Select); coding-DNA position 5849, G replaced by A.
Protein change: p.Arg1950Lys; replaces arginine 1950 with lysine.
Molecular consequence: missense variant.
Genome position (GRCh38, 1-based): chr1:11,128,515, C>T on the plus strand (G>A on the coding strand, the complement: MTOR is on the minus strand). VCF-style: chr1-11128515-C-T. GRCh37 (hg19) VCF-style: chr1-11188572-C-T.
Other names: c.5849G>A, p.Arg1950Lys (NM_001386500.1); c.4601G>A, p.Arg1534Lys (NM_001386501.1); short protein forms R1534K, R1950K.
Identifiers: ClinVar variation 3030951 (VCV003030951.2), dbSNP rs1052713389, ClinGen allele CA338395173.

ClinVar aggregate classification (germline): Uncertain significance (0 of 4 stars; one submission).

Conditions:
MTOR-related disorder. Also called: MTOR-related condition.

Submission:

PreventionGenetics, part of Exact Sciences
Classification: Uncertain significance for MTOR-related condition. Last evaluated: 2024-01-25. Review status: no assertion criteria provided. Collection method: clinical testing. Allele origin: germline.
Comment: The MTOR c.5849G>A variant is predicted to result in the amino acid substitution p.Arg1950Lys. To our knowledge, this variant has not been reported in the literature or in a large population database, indicating this variant is rare. At this time, the clinical significance of this variant is uncertain due to the absence of conclusive functional and genetic evidence.